The following is an entry in ClinVar:

NM_014516.4(CNOT3):c.417G>A (p.Val139=)

Gene: CNOT3 (CCR4-NOT transcription complex subunit 3; plus strand). Cytogenetic location: 19q13.42.
Variant type: single nucleotide variant.
Coding change: c.417G>A on transcript NM_014516.4 (MANE Select); coding-DNA position 417, G replaced by A.
Protein change: p.Val139=; no amino-acid change (valine 139 retained).
Molecular consequence: synonymous variant.
Genome position (GRCh38, 1-based): chr19:54,144,266, G>A. VCF-style: chr19-54144266-G-A. GRCh37 (hg19) VCF-style: chr19-54648002-G-A.
Other names: c.417G>A (NM_014516.3).
Identifiers: ClinVar variation 1976522 (VCV001976522.6), dbSNP rs142741743, ClinGen allele CA309338714.

ClinVar aggregate classification (germline): Likely benign. Review status: criteria provided, multiple submitters, no conflicts (2 of 4 stars). 2 submissions from 2 submitters: Likely benign (2). Last evaluated 2024-10-04.

Conditions:
CNOT3-related disorder. Also called: CNOT3-related condition.

Allele frequency attached by ClinVar (database versions not stated): gnomAD 0.00002; TOPMed 0.00003; gnomAD exomes 0.00004; ExAC 0.00005; ESP Exome Variant Server 0.00015.
gnomAD v4.1: 63 of 1,613,982 alleles (0.0039%); highest among the groups gnomAD compares: Non-Finnish European, 0.0048%; no homozygotes.

Submissions (2):

PreventionGenetics, part of Exact Sciences
Classification: Likely benign for CNOT3-related condition. Last evaluated: 2024-10-04. Review status: criteria provided, single submitter. Criteria: ACMG Guidelines, 2015. Collection method: clinical testing. Allele origin: germline.
Comment: This variant is classified as likely benign based on ACMG/AMP sequence variant interpretation guidelines (Richards et al. 2015 PMID: 25741868, with internal and published modifications).

Labcorp Genetics (formerly Invitae), Labcorp
Classification: Likely benign. Last evaluated: 2022-12-22. Review status: criteria provided, single submitter. Criteria: Invitae Variant Classification Sherloc (09022015). Collection method: clinical testing. Allele origin: germline.